The following is an entry in ClinVar:

NM_001182.5(ALDH7A1):c.913+8T>C

Gene: ALDH7A1 (aldehyde dehydrogenase 7 family member A1; minus strand). Cytogenetic location: 5q23.2.
Variant type: single nucleotide variant.
Coding change: c.913+8T>C on transcript NM_001182.5 (MANE Select); 8 bases into the intron after coding-DNA position 913, T replaced by C.
Molecular consequence: intron variant.
Genome position (GRCh38, 1-based): chr5:126,561,075, A>G on the plus strand (T>C on the coding strand, the complement: ALDH7A1 is on the minus strand). VCF-style: chr5-126561075-A-G. GRCh37 (hg19) VCF-style: chr5-125896767-A-G.
Other names: c.913+8T>C (NM_001202404.2); c.829+8T>C (NM_001201377.2).
Identifiers: ClinVar variation 377462 (VCV000377462.17), dbSNP rs766528289, ClinGen allele CA3389603.
Genomic context (GRCh38, chr5:126,561,075, plus strand): 5'-CCATATATTCAGGATGGCGACTGTGGAAACTGAACAGAAAACAAACAAAAACAAAGAGGC[A>G]GCCTTACCAATAATGGCATTGTTTCCTCCAAGTTCCAACAGACTTCTCCCTTAAAAGAAA-3'

ClinVar aggregate classification (germline): Conflicting classifications of pathogenicity. Review status: criteria provided, conflicting classifications (1 of 4 stars). 4 submissions from 4 submitters: Uncertain significance (1); Likely benign (3). Last evaluated 2026-01-16.

Conditions:
Pyridoxine-dependent epilepsy (EPEO4). Also called: Pyridoxine-Dependent Seizures; Pyridoxine-Dependent Epilepsy - ALDH7A1; PYRIDOXINE DEPENDENCY WITH SEIZURES; EPILEPSY, EARLY-ONSET, 4, VITAMIN B6-DEPENDENT. Identifiers: Orphanet 3006, MedGen C1849508, MONDO:0009945, OMIM 266100. Disease mechanism: loss of function.

Allele frequency attached by ClinVar (database versions not stated): gnomAD 0.00005; TOPMed 0.00007; gnomAD exomes 0.00009; ExAC 0.00011.
gnomAD v4.1: 77 of 1,613,314 alleles (0.0048%); highest among the groups gnomAD compares: Admixed American, 0.01%; no homozygotes.

Submissions (4):

Labcorp Genetics (formerly Invitae), Labcorp
Classification: Likely benign for Pyridoxine-dependent epilepsy. Last evaluated: 2026-01-16. Review status: criteria provided, single submitter. Criteria: Invitae Variant Classification Sherloc (09022015). Collection method: clinical testing. Allele origin: germline.

Blueprint Genetics
Classification: Likely benign. Last evaluated: 2024-10-22. Review status: criteria provided, single submitter. Criteria: ACMG Guidelines, 2015. Collection method: clinical testing. Allele origin: germline.

Illumina Laboratory Services, Illumina
Classification: Uncertain significance for Pyridoxine-dependent epilepsy. Last evaluated: 2018-01-13. Review status: criteria provided, single submitter. Criteria: ICSL Variant Classification Criteria 13 December 2019. Collection method: clinical testing. Allele origin: germline.

GeneDx
Classification: Likely benign. Last evaluated: 2016-09-29. Review status: criteria provided, single submitter. Criteria: GeneDx Variant Classification (06012015). Collection method: clinical testing. Allele origin: germline. Affected: yes.
Comment: This variant is considered likely benign or benign based on one or more of the following criteria: it is a conservative change, it occurs at a poorly conserved position in the protein, it is predicted to be benign by multiple in silico algorithms, and/or has population frequency not consistent with disease.